The following is an entry in ClinVar:

NM_001042492.3(NF1):c.6952G>T (p.Val2318Leu)

Gene: NF1 (neurofibromin 1; plus strand). Cytogenetic location: 17q11.2.
Variant type: single nucleotide variant.
Coding change: c.6952G>T on transcript NM_001042492.3 (MANE Select); coding-DNA position 6952, G replaced by T.
Protein change: p.Val2318Leu; replaces valine 2318 with leucine.
Molecular consequence: missense variant.
Genome position (GRCh38, 1-based): chr17:31,340,535, G>T. VCF-style: chr17-31340535-G-T. GRCh37 (hg19) VCF-style: chr17-29667553-G-T.
Other names: c.6889G>T, p.Val2297Leu (NM_000267.4); short protein forms V2297L, V2318L.
Identifiers: ClinVar variation 216409 (VCV000216409.14), dbSNP rs760528229, ClinGen allele CA339000.

ClinVar aggregate classification (germline): Conflicting classifications of pathogenicity. Review status: criteria provided, conflicting classifications (1 of 4 stars). 4 submissions from 4 submitters: Uncertain significance (3); Likely benign (1). Last evaluated 2025-05-27.

Conditions:
Cardiovascular phenotype. Identifiers: MedGen CN230736.
Hereditary cancer-predisposing syndrome. Also called: Tumor predisposition; Hereditary Cancer Syndrome; Neoplastic Syndromes, Hereditary; Hereditary neoplastic syndrome. Identifiers: Orphanet 140162, MedGen C0027672, MeSH D009386, MONDO:0015356.
Juvenile myelomonocytic leukemia (JMML). Also called: LEUKEMIA, JUVENILE MYELOMONOCYTIC, SOMATIC. Identifiers: Orphanet 86834, MedGen C0349639, MONDO:0011908, OMIM 607785, HP:0012209.
Neurofibromatosis, type 1 (NF1). Also called: VON RECKLINGHAUSEN DISEASE; Peripheral type neurofibromatosis; Neurofibromatosis, type I; NEUROFIBROMATOSIS, TYPE I, SOMATIC. Identifiers: Orphanet 636, MedGen C0027831, MONDO:0018975, OMIM 162200. Disease mechanism: loss of function.
Neurofibromatosis-Noonan syndrome (NFNS). Also called: NEUROFIBROMATOSIS WITH NOONAN PHENOTYPE. Identifiers: Orphanet 638, MedGen C2931482, MONDO:0011035, OMIM 601321. Disease mechanism: loss of function.
Café-au-lait macules with pulmonary stenosis (WTSN). Also called: PULMONIC STENOSIS WITH CAFE-AU-LAIT SPOTS. Identifiers: MedGen C0553586, MONDO:0008672, OMIM 193520.
Neurofibromatosis, familial spinal (FSNF). Identifiers: Orphanet 636, MedGen C1834235, MONDO:0008078, OMIM 162210. Disease mechanism: loss of function.

Allele frequency attached by ClinVar (database versions not stated): gnomAD exomes below 0.00001; ExAC 0.00001.
gnomAD v4.1: 3 of 1,614,144 alleles (0.00019%); highest among the groups gnomAD compares: Non-Finnish European, 0.00025%; no homozygotes.

Submissions (4):

Labcorp Genetics (formerly Invitae), Labcorp
Classification: Likely benign for Neurofibromatosis, type 1. Last evaluated: 2025-05-27. Review status: criteria provided, single submitter. Criteria: Invitae Variant Classification Sherloc (09022015). Collection method: clinical testing. Allele origin: germline.

Fulgent Genetics
Classification: Uncertain significance for Neurofibromatosis, type 1; Neurofibromatosis, familial spinal; Café-au-lait macules with pulmonary stenosis; Neurofibromatosis-Noonan syndrome; Juvenile myelomonocytic leukemia. Last evaluated: 2023-12-29. Review status: criteria provided, single submitter. Criteria: ACMG Guidelines, 2015. Collection method: clinical testing. Allele origin: germline.

Ambry Genetics
Classification: Uncertain significance for Cardiovascular phenotype; Hereditary cancer-predisposing syndrome. Last evaluated: 2022-10-19. Review status: criteria provided, single submitter. Criteria: Ambry Variant Classification Scheme 2023. Collection method: clinical testing. Allele origin: germline.
Comment: The p.V2297L variant (also known as c.6889G>T), located in coding exon 46 of the NF1 gene, results from a G to T substitution at nucleotide position 6889. The valine at codon 2297 is replaced by leucine, an amino acid with highly similar properties. This amino acid position is highly conserved in available vertebrate species. In addition, the in silico prediction for this alteration is inconclusive. Since supporting evidence is limited at this time, the clinical significance of this alteration remains unclear.

Genome-Nilou Lab
Classification: Uncertain significance for Neurofibromatosis, type 1. Last evaluated: 2022-03-15. Review status: criteria provided, single submitter. Criteria: ACMG Guidelines, 2015. Collection method: clinical testing. Allele origin: germline. Affected: no.